The following is an entry in ClinVar:

ClinVar aggregate classification (germline): Likely benign (1 of 4 stars; one submission).

Allele frequency attached by ClinVar (database versions not stated): 1000 Genomes Project 0.01458; 1000 Genomes Project 30x 0.01577; gnomAD exomes 0.00114 and 0.00331; ExAC 0.00415; gnomAD 0.01199 and 0.01277; TOPMed 0.01405; ESP Exome Variant Server 0.01422.
gnomAD v4.1: 3,535 of 1,613,628 alleles (0.22%); highest among the groups gnomAD compares: African/African-American, 4.1%; 67 homozygotes.

Submission:

GeneDx
Classification: Likely benign. Last evaluated: 2018-06-19. Review status: criteria provided, single submitter. Criteria: GeneDx Variant Classification (06012015). Collection method: clinical testing. Allele origin: germline. Affected: yes.
Comment: This variant is considered likely benign or benign based on one or more of the following criteria: it is a conservative change, it occurs at a poorly conserved position in the protein, it is predicted to be benign by multiple in silico algorithms, and/or has population frequency not consistent with disease.

NM_020745.4(AARS2):c.1040+28C>T

Gene: AARS2 (alanyl-tRNA synthetase 2, mitochondrial; minus strand). Cytogenetic location: 6p21.1.
Variant type: single nucleotide variant.
Coding change: c.1040+28C>T on transcript NM_020745.4 (MANE Select); 28 bases into the intron after coding-DNA position 1040, C replaced by T.
Molecular consequence: intron variant.
Genome position (GRCh38, 1-based): chr6:44,307,221, G>A on the plus strand (C>T on the coding strand, the complement: AARS2 is on the minus strand). VCF-style: chr6-44307221-G-A. GRCh37 (hg19) VCF-style: chr6-44274958-G-A.
Identifiers: ClinVar variation 675955 (VCV000675955.1), dbSNP rs78552484, ClinGen allele CA3834482.